The following is an entry in ClinVar:

ClinVar aggregate classification (germline): Uncertain significance (1 of 4 stars; one submission).

Submission:

GeneDx
Classification: Uncertain significance. Last evaluated: 2025-07-17. Review status: criteria provided, single submitter. Criteria: GeneDx Variant Classification Process June 2021. Collection method: clinical testing. Allele origin: germline.
Comment: Not observed at significant frequency in large population cohorts (gnomAD); In silico analysis supports that this missense variant has a deleterious effect on protein structure/function; Has not been previously published as pathogenic or benign to our knowledge

NM_001429.4(EP300):c.5123T>C (p.Leu1708Pro)

Gene: EP300 (EP300 lysine acetyltransferase; plus strand). Cytogenetic location: 22q13.2.
Variant type: single nucleotide variant.
Coding change: c.5123T>C on transcript NM_001429.4 (MANE Select); coding-DNA position 5123, T replaced by C.
Protein change: p.Leu1708Pro; replaces leucine 1708 with proline.
Molecular consequence: missense variant.
Genome position (GRCh38, 1-based): chr22:41,176,834, T>C. VCF-style: chr22-41176834-T-C. GRCh37 (hg19) VCF-style: chr22-41572838-T-C.
Other names: c.5045T>C, p.Leu1682Pro (NM_001362843.2); short protein forms L1682P, L1708P.
Identifiers: ClinVar variation 3365444 (VCV003365444.2).